The following is an entry in ClinVar:

ClinVar aggregate classification (germline): Conflicting classifications of pathogenicity. Review status: criteria provided, conflicting classifications (1 of 4 stars). 6 submissions from 6 submitters: Uncertain significance (1); Benign (1); Likely benign (3). 1 of the submissions does not count toward it. Last evaluated 2026-04-14.

Conditions:
Progressive familial intrahepatic cholestasis type 2. Identifiers: Orphanet 79304, MedGen C3489789, MONDO:0011156, OMIM 601847.
ABCB11-related disorder. Also called: ABCB11-related condition.
Familial intrahepatic cholestasis. Identifiers: Orphanet 284385, MedGen CN296401, MONDO:0017290.

Allele frequency attached by ClinVar (database versions not stated): gnomAD exomes 0.00010 and 0.00021; ExAC 0.00074; gnomAD 0.00078 and 0.00079; TOPMed 0.00094; ESP Exome Variant Server 0.00098; 1000 Genomes Project 0.00120; 1000 Genomes Project 30x 0.00141.
gnomAD v4.1: 267 of 1,568,912 alleles (0.017%); highest among the groups gnomAD compares: African/African-American, 0.33%; 3 homozygotes.

Submissions (6):

Genomenon, Inc
Classification: Likely benign for Familial intrahepatic cholestasis. Last evaluated: 2026-04-14. Review status: criteria provided, single submitter. Criteria: Genomenon Sequence Variant Interpretation Standards - Updated. Collection method: curation. Allele origin: germline. Affected: no.
Comment: ABCB11 p.Ser701Pro (c.2101T>C) is a missense variant that changes the amino acid at residue 701 from Serine to Proline. This variant has been reported in the published literature (PMID:22795478). This variant's allele frequency in gnomAD is greater than expected for this disorder. In conclusion, we classify ABCB11 p.Ser701Pro (c.2101T>C) as a likely benign variant.

Labcorp Genetics (formerly Invitae), Labcorp
Classification: Likely benign. Last evaluated: 2026-01-24. Review status: criteria provided, single submitter. Criteria: Invitae Variant Classification Sherloc (09022015). Collection method: clinical testing. Allele origin: germline.

Mayo Clinic Laboratories, Mayo Clinic
Classification: Uncertain significance. Last evaluated: 2022-06-02. Review status: criteria provided, single submitter. Criteria: ACMG Guidelines, 2015. Collection method: clinical testing. Allele origin: germline. Observed: 1 variant allele.

Illumina Laboratory Services, Illumina
Classification: Likely benign for Progressive familial intrahepatic cholestasis type 2. Last evaluated: 2018-01-13. Review status: criteria provided, single submitter. Criteria: ICSL Variant Classification Criteria 13 December 2019. Collection method: clinical testing. Allele origin: germline.
Comment: This variant was observed in the ICSL laboratory as part of a predisposition screen in an ostensibly healthy population. It had not been previously curated by ICSL or reported in the Human Gene Mutation Database (HGMD: prior to June 1st, 2018), and was therefore a candidate for classification through an automated scoring system. Utilizing variant allele frequency, disease prevalence and penetrance estimates, and inheritance mode, an automated score was calculated to assess if this variant is too frequent to cause the disease. Based on the score and internal cut-off values, a variant classified as likely benign is not then subjected to further curation. The score for this variant resulted in a classification of likely benign for this disease.

Eurofins Ntd Llc (ga)
Classification: Benign. Last evaluated: 2015-07-20. Review status: criteria provided, single submitter. Criteria: EGL Classification Definitions 2015. Collection method: clinical testing. Allele origin: germline. Observed: 1 variant allele, 1 heterozygote.

PreventionGenetics, part of Exact Sciences
Classification: Likely benign for ABCB11-related condition. Last evaluated: 2022-02-04. Review status: no assertion criteria provided. Collection method: clinical testing. Allele origin: germline. Not counted in ClinVar's aggregate classification.
Comment: This variant is classified as likely benign based on ACMG/AMP sequence variant interpretation guidelines (Richards et al. 2015 PMID: 25741868, with internal and published modifications).

Literature cited by the submitters: PubMed 22795478 (cited by Genomenon, Inc and Mayo Clinic Laboratories, Mayo Clinic).

NM_003742.4(ABCB11):c.2101T>C (p.Ser701Pro)

Gene: ABCB11 (ATP binding cassette subfamily B member 11; minus strand). Cytogenetic location: 2q31.1.
Variant type: single nucleotide variant.
Coding change: c.2101T>C on transcript NM_003742.4 (MANE Select); coding-DNA position 2101, T replaced by C.
Protein change: p.Ser701Pro; replaces serine 701 with proline.
Molecular consequence: missense variant.
Genome position (GRCh38, 1-based): chr2:168,964,283, A>G on the plus strand (T>C on the coding strand, the complement: ABCB11 is on the minus strand). VCF-style: chr2-168964283-A-G. GRCh37 (hg19) VCF-style: chr2-169820793-A-G.
Other names: p.Ser701Pro; c.2101T>C, p.Ser701Pro (LRG_1199t1); short protein forms S701P.
Identifiers: ClinVar variation 281880 (VCV000281880.21), dbSNP rs150572999, ClinGen allele CA1951365.